The following is an entry in ClinVar:

NM_000268.4(NF2):c.447+5G>A

Gene: NF2 (NF2, moesin-ezrin-radixin like (MERLIN) tumor suppressor; plus strand). Cytogenetic location: 22q12.2.
Variant type: single nucleotide variant.
Coding change: c.447+5G>A on transcript NM_000268.4 (MANE Select); 5 bases into the intron after coding-DNA position 447, G replaced by A.
Molecular consequence: intron variant.
Genome position (GRCh38, 1-based): chr22:29,642,290, G>A. VCF-style: chr22-29642290-G-A. GRCh37 (hg19) VCF-style: chr22-30038279-G-A.
Other names: c.447+5G>A (NM_016418.5, NM_181832.3, NM_001407060.1 and 5 more transcripts); c.333+5G>A (NM_001407056.1, NM_001407053.1); c.216+5G>A (NM_001407067.1); c.-194+5G>A (NM_001407065.1); c.324+5G>A (NM_001407058.1, NM_181829.3, NM_001407054.1 and 1 more transcripts); c.321+5G>A (NM_181828.3, NM_001407055.1); c.198+5G>A (NM_001407063.1, NM_181830.3, NM_001407064.1 and 1 more transcripts).
Identifiers: ClinVar variation 3069664 (VCV003069664.1), dbSNP rs2146895264, ClinGen allele CA2738086533.

ClinVar aggregate classification (germline): Uncertain significance (1 of 4 stars; one submission).

Conditions:
Neurofibromatosis, type 2 (SWNV). Also called: BILATERAL ACOUSTIC NEUROFIBROMATOSIS; NF2-Related Schwannomatosis; SCHWANNOMATOSIS, VESTIBULAR. Identifiers: Orphanet 637, MedGen C0027832, MONDO:0007039, OMIM 101000. Disease mechanism: loss of function.

Submission:

All of Us Research Program, National Institutes of Health
Classification: Uncertain significance for Neurofibromatosis, type 2. Last evaluated: 2023-02-24. Review status: criteria provided, single submitter. Criteria: ACMG Guidelines, 2015. Collection method: clinical testing. Allele origin: germline. Inheritance: Autosomal dominant inheritance. Observed: 1 variant allele, 1 heterozygote.
Comment: This variant causes a G to A nucleotide substitution at the +5 position of intron 4 of the NF2 gene. Splice site prediction tools indicate that this variant may impair or weaken the intron 4 splice donor site. To our knowledge, RNA studies have not been performed to confirm this prediction nor has functional studies been reported for this variant. This variant has not been reported in individuals affected with NF2-related disorders in the literature. This variant has not been identified in the general population by the Genome Aggregation Database (gnomAD). The available evidence is insufficient to determine the role of this variant in disease conclusively. Therefore, this variant is classified as a Variant of Uncertain Significance.

This study involves interpretation of variants in research participants for the purpose of population health screening. Participant phenotype was not available at the time of variant classification. Additional details can be found in publication PMID: 35346344, PMCID: PMC8962531